The following is an entry in ClinVar:

NM_000179.3(MSH6):c.3398del (p.Thr1133fs)

Gene: MSH6 (mutS homolog 6; plus strand). Cytogenetic location: 2p16.3.
Variant type: Deletion.
Coding change: c.3398del on transcript NM_000179.3 (MANE Select); coding-DNA position 3398, one base deleted (C; older notation c.3398delC).
Protein change: p.Thr1133fs; shifts the reading frame from threonine 1133.
Molecular consequence: frameshift variant.
Genome position (GRCh38, 1-based): chr2:47,803,645, C deleted. VCF-style (leftmost placement, unchanged base first): chr2-47803644-AC-A. GRCh37 (hg19) VCF-style: chr2-48030783-AC-A.
Other names: c.3398delC (NM_000179.2); c.3008del, p.Thr1003fs (NM_001281492.2); c.2492del, p.Thr831fs (NM_001281493.2, NM_001281494.2); short protein forms T831fs, T1003fs, T1133fs.
Identifiers: ClinVar variation 455256 (VCV000455256.8), dbSNP rs1553331722, ClinGen allele CA658655698.

ClinVar aggregate classification (germline): Pathogenic. Review status: criteria provided, multiple submitters, no conflicts (2 of 4 stars). 2 submissions from 2 submitters: Pathogenic (2). Last evaluated 2024-06-28.

Conditions:
Hereditary nonpolyposis colorectal neoplasms. Identifiers: MedGen C0009405, MeSH D003123.
Lynch syndrome 5 (LYNCH5). Also called: Hereditary non-polyposis colorectal cancer, type 5; Colorectal cancer, hereditary nonpolyposis, type 5. Identifiers: Orphanet 144, MedGen C1833477, MONDO:0013710, OMIM 614350. Disease mechanism: loss of function.

Submissions (2):

Labcorp Genetics (formerly Invitae), Labcorp
Classification: Pathogenic for Hereditary nonpolyposis colorectal neoplasms. Last evaluated: 2024-06-28. Review status: criteria provided, single submitter. Criteria: Invitae Variant Classification Sherloc (09022015). Collection method: clinical testing. Allele origin: germline.
Comment: This sequence change creates a premature translational stop signal (p.Thr1133Metfs*12) in the MSH6 gene. It is expected to result in an absent or disrupted protein product. Loss-of-function variants in MSH6 are known to be pathogenic (PMID: 18269114, 24362816). This variant is not present in population databases (gnomAD no frequency). This variant has not been reported in the literature in individuals affected with MSH6-related conditions. ClinVar contains an entry for this variant (Variation ID: 455256). For these reasons, this variant has been classified as Pathogenic.

Myriad Genetics, Inc.
Classification: Pathogenic for Lynch syndrome 5. Last evaluated: 2024-02-15. Review status: criteria provided, single submitter. Criteria: Myriad Autosomal Dominant, Autosomal Recessive and X-Linked Classification Criteria (2023). Collection method: clinical testing. Allele origin: unknown.
Comment: This variant is considered pathogenic. This variant creates a frameshift predicted to result in premature protein truncation.

Literature cited by the submitters: PubMed 18269114 (cited by Labcorp Genetics (formerly Invitae), Labcorp); PubMed 24362816 (cited by Labcorp Genetics (formerly Invitae), Labcorp).